The following is an entry in ClinVar:

ClinVar aggregate classification (germline): Pathogenic/Likely pathogenic. Review status: criteria provided, multiple submitters, no conflicts (2 of 4 stars). 5 submissions from 5 submitters: Pathogenic (2); Likely pathogenic (1). 2 of the submissions do not count toward it. Last evaluated 2026-02-01.

Conditions:
Hypomyelination and Congenital Cataract (HLD5). Also called: hypomyelinating leukodystrophy 5. Identifiers: Orphanet 85163, MedGen C1864663, MONDO:0012514, OMIM 610532.

gnomAD v4.1: 2 of 1,552,516 alleles (0.00013%); highest among the groups gnomAD compares: Admixed American, 0.0033%; no homozygotes.

Submissions (5):

Labcorp Genetics (formerly Invitae), Labcorp
Classification: Pathogenic for Hypomyelination and Congenital Cataract. Last evaluated: 2026-02-01. Review status: criteria provided, single submitter. Criteria: Invitae Variant Classification Sherloc (09022015). Collection method: clinical testing. Allele origin: germline.
Comment: This sequence change affects a donor splice site in intron 5 of the FAM126A gene. It is expected to disrupt RNA splicing. Variants that disrupt the donor or acceptor splice site typically lead to a loss of protein function (PMID: 16199547), and loss-of-function variants in FAM126A are known to be pathogenic (PMID: 21911699, 22749724, 23998934). This variant is not present in population databases (gnomAD no frequency). Disruption of this splice site has been observed in individual(s) with hypomyelination and congenital cataract (PMID: 16951682, 21911699). It has also been observed to segregate with disease in related individuals. ClinVar contains an entry for this variant (Variation ID: 1215). Algorithms developed to predict the effect of sequence changes on RNA splicing suggest that this variant may disrupt the consensus splice site. For these reasons, this variant has been classified as Pathogenic.

3billion
Classification: Pathogenic for Hypomyelination and Congenital Cataract. Last evaluated: 2025-08-12. Review status: criteria provided, single submitter. Criteria: ACMG Guidelines, 2015. Collection method: clinical testing. Allele origin: germline. Affected: yes.
Comment: The variant is observed at an extremely low frequency in the gnomAD v4.1.0 dataset (total allele frequency: <0.001%). Predicted Consequence/Location: Canonical splice site: predicted to alter splicing and result in a loss or disruption of normal protein function. Multiple pathogenic loss-of-function variants are reported downstream of the variant. In silico tools predict the variant to alter splicing and produce an abnormal transcript [SpliceAI: 0.99 (spliceogenicity >=0.2, non-spliceogenicity <0.1)]. The variant has been reported at least twice as pathogenic without evidence for the classification (ClinVar ID: VCV000001215 /3billion dataset). Therefore, this variant is classified as Pathogenic according to the recommendation of ACMG/AMP guideline.

Molecular Diagnostics Lab, Nemours Children's Health, Delaware
Classification: Likely pathogenic for Hypomyelination and Congenital Cataract. Last evaluated: 2021-07-16. Review status: criteria provided, single submitter. Criteria: ACMG Guidelines, 2015. Collection method: clinical testing. Allele origin: biparental, unknown. Inheritance: Autosomal recessive inheritance. Affected: yes and no. Observed: 2 heterozygotes, 1 homozygote.
Comment: This variant (c.414+1G>T) predicts a splice change and has not been reported in population databases (gnomAD). It has been reported in the literature (PMID 16951682, PMID 21911699), although no functional studies have been published.

OMIM
Classification: Pathogenic for LEUKODYSTROPHY, HYPOMYELINATING, 5. Last evaluated: 2011-09-01. Review status: no assertion criteria provided. Collection method: literature only. Allele origin: germline. Not counted in ClinVar's aggregate classification.

GeneReviews
No classification provided. Condition: Hypomyelination and Congenital Cataract. Review status: no classification provided. Collection method: literature only. Allele origin: germline. Not counted in ClinVar's aggregate classification.

Literature cited by the submitters: PubMed 16199547 (cited by Labcorp Genetics (formerly Invitae), Labcorp); PubMed 21911699 (cited by Labcorp Genetics (formerly Invitae), Labcorp and OMIM); PubMed 22749724 (cited by Labcorp Genetics (formerly Invitae), Labcorp); PubMed 23998934 (cited by Labcorp Genetics (formerly Invitae), Labcorp); PubMed 16951682 (cited by 3 submitters); PubMed 20301737 (cited by GeneReviews).

NM_032581.4(HYCC1):c.414+1G>T

Gene: HYCC1 (hyccin PI4KA lipid kinase complex subunit 1; minus strand). Cytogenetic location: 7p15.3.
Variant type: single nucleotide variant.
Coding change: c.414+1G>T on transcript NM_032581.4 (MANE Select); the canonical splice donor site of the intron after coding-DNA position 414, G replaced by T.
Molecular consequence: splice donor variant.
Genome position (GRCh38, 1-based): chr7:22,977,340, C>A on the plus strand (G>T on the coding strand, the complement: HYCC1 is on the minus strand). VCF-style: chr7-22977340-C-A. GRCh37 (hg19) VCF-style: chr7-23016959-C-A.
Other names: IVS5, G-T, +1; c.414+1G>T (NM_001363467.2, NM_001363466.2).
Identifiers: ClinVar variation 1215 (VCV000001215.9), dbSNP rs72549406, ClinGen allele CA339887.